The following is an entry in ClinVar:

ClinVar aggregate classification (germline): Uncertain significance (1 of 4 stars; one submission).

Conditions:
Zellweger spectrum disorders (ZS). Also called: Zellweger Spectrum Disorder (ZSD); Zellweger syndrome; Zellweger Spectrum Disorder; Zellweger Spectrum. Identifiers: Orphanet 912, MedGen C0043459, MONDO:0019609.

Allele frequency attached by ClinVar (database versions not stated): TOPMed below 0.00001.
gnomAD v4.1: 1 of 1,614,194 alleles (0.000062%); highest among the groups gnomAD compares: Admixed American, 0.0017%; no homozygotes.

Submission:

Labcorp Genetics (formerly Invitae), Labcorp
Classification: Uncertain significance for Zellweger spectrum disorders. Last evaluated: 2022-07-26. Review status: criteria provided, single submitter. Criteria: Invitae Variant Classification Sherloc (09022015). Collection method: clinical testing. Allele origin: germline.
Comment: This sequence change replaces alanine, which is neutral and non-polar, with aspartic acid, which is acidic and polar, at codon 672 of the PEX1 protein (p.Ala672Asp). This variant is present in population databases (no rsID available, gnomAD 0.003%). This variant has not been reported in the literature in individuals affected with PEX1-related conditions. ClinVar contains an entry for this variant (Variation ID: 1436388). Advanced modeling of protein sequence and biophysical properties (such as structural, functional, and spatial information, amino acid conservation, physicochemical variation, residue mobility, and thermodynamic stability) performed at Invitae indicates that this missense variant is not expected to disrupt PEX1 protein function. In summary, the available evidence is currently insufficient to determine the role of this variant in disease. Therefore, it has been classified as a Variant of Uncertain Significance.

NM_000466.3(PEX1):c.2015C>A (p.Ala672Asp)

Gene: PEX1 (peroxisomal biogenesis factor 1; minus strand). Cytogenetic location: 7q21.2.
Variant type: single nucleotide variant.
Coding change: c.2015C>A on transcript NM_000466.3 (MANE Select); coding-DNA position 2015, C replaced by A.
Protein change: p.Ala672Asp; replaces alanine 672 with aspartic acid.
Molecular consequence: missense variant. On other transcripts: intron variant (1).
Genome position (GRCh38, 1-based): chr7:92,504,788, G>T on the plus strand (C>A on the coding strand, the complement: PEX1 is on the minus strand). VCF-style: chr7-92504788-G-T. GRCh37 (hg19) VCF-style: chr7-92134102-G-T.
Other names: c.1391C>A, p.Ala464Asp (NM_001282678.2); c.1900+1460C>A (NM_001282677.2); short protein forms A464D, A672D.
Identifiers: ClinVar variation 1436388 (VCV001436388.8), dbSNP rs897278975, ClinGen allele CA161964653.